The following is an entry in ClinVar:

NM_014053.4(FLVCR1):c.93T>C (p.Val31=)

Genes: FLVCR1 (FLVCR choline and heme transporter 1; plus strand), LOC129932486 (ATAC-STARR-seq lymphoblastoid silent region 1807; plus strand). Cytogenetic location: 1q32.3.
Variant type: single nucleotide variant.
Coding change: c.93T>C on transcript NM_014053.4 (MANE Select); coding-DNA position 93, T replaced by C.
Protein change: p.Val31=; no amino-acid change (valine 31 retained).
Molecular consequence: synonymous variant.
Genome position (GRCh38, 1-based): chr1:212,858,545, T>C. VCF-style: chr1-212858545-T-C. GRCh37 (hg19) VCF-style: chr1-213031887-T-C.
Other names: c.93T>C (NM_014053.2).
Identifiers: ClinVar variation 3347587 (VCV003347587.2).
Genomic context (GRCh38, chr1:212,858,545, plus strand): 5'-GGTGGCGCCCGGACACCCGCTCGCGAAAGGATACCTCCCGTTGCCGAGGGGCGCGCCCGT[T>C]GGGAAGGAGAGCGTGGAGCTGCAGAACGGGCCCAAAGCGGGCACCTTCCCGGTGAATGGG-3'
Protein context (NP_054772.1, residues 21-41): GYLPLPRGAP[Val31=]GKESVELQNG

ClinVar aggregate classification (germline): Uncertain significance. Review status: criteria provided, single submitter (1 of 4 stars). 2 submissions from 2 submitters: Uncertain significance (1). 1 of the submissions does not count toward it. Last evaluated 2024-11-13.

Conditions:
FLVCR1-related disorder. Also called: FLVCR1-related condition.

gnomAD v4.1: 4 of 1,465,816 alleles (0.00027%); highest among the groups gnomAD compares: Non-Finnish European, 0.00036%; no homozygotes.

Submissions (2):

Athena Diagnostics
Classification: Uncertain significance. Last evaluated: 2024-11-13. Review status: criteria provided, single submitter. Criteria: Athena Diagnostics Criteria. Collection method: clinical testing. Allele origin: unknown.
Comment: Available data are insufficient to determine the clinical significance of the variant at this time. This variant has not been reported in large, multi-ethnic general populations. Computational tools yielded predictions that this variant is unlikely to have an effect on normal RNA splicing.

PreventionGenetics, part of Exact Sciences
Classification: Likely benign for FLVCR1-related condition. Last evaluated: 2024-08-27. Review status: no assertion criteria provided. Collection method: clinical testing. Allele origin: germline. Not counted in ClinVar's aggregate classification.
Comment: This variant is classified as likely benign based on ACMG/AMP sequence variant interpretation guidelines (Richards et al. 2015 PMID: 25741868, with internal and published modifications).